The following is an entry in ClinVar:

ClinVar aggregate classification (germline): Likely benign. Review status: criteria provided, single submitter (1 of 4 stars). 2 submissions from 2 submitters: Likely benign (1). 1 of the submissions does not count toward it. Last evaluated 2024-10-18.

Conditions:
LAMA3-related disorder. Also called: LAMA3-related condition; LAMA3-related disorders.

Allele frequency attached by ClinVar (database versions not stated): 1000 Genomes Project 30x 0.00078; 1000 Genomes Project 0.00080; gnomAD 0.00086; gnomAD exomes 0.00097; TOPMed 0.00111.
gnomAD v4.1: 638 of 679,938 alleles (0.094%); highest among the groups gnomAD compares: Admixed American, 0.17%; no homozygotes.

Submissions (2):

Blueprint Genetics
Classification: Likely benign. Last evaluated: 2024-10-18. Review status: criteria provided, single submitter. Criteria: ACMG Guidelines, 2015. Collection method: clinical testing. Allele origin: germline.

PreventionGenetics, part of Exact Sciences
Classification: Likely benign for LAMA3-related condition. Last evaluated: 2024-08-12. Review status: no assertion criteria provided. Collection method: clinical testing. Allele origin: germline. Not counted in ClinVar's aggregate classification.
Comment: This variant is classified as likely benign based on ACMG/AMP sequence variant interpretation guidelines (Richards et al. 2015 PMID: 25741868, with internal and published modifications).

NM_198129.4(LAMA3):c.1273+143C>T

Gene: LAMA3 (laminin subunit alpha 3; plus strand). Cytogenetic location: 18q11.2.
Variant type: single nucleotide variant.
Coding change: c.1273+143C>T on transcript NM_198129.4 (MANE Select); 143 bases into the intron after coding-DNA position 1273, C replaced by T.
Molecular consequence: intron variant. On other transcripts: synonymous variant (1).
Genome position (GRCh38, 1-based): chr18:23,773,730, C>T. VCF-style: chr18-23773730-C-T. GRCh37 (hg19) VCF-style: chr18-21353694-C-T.
Other names: c.1416C>T, p.Val472= (NM_001302996.2); c.1273+143C>T (NM_001127717.4).
Identifiers: ClinVar variation 3048438 (VCV003048438.3), dbSNP rs564176676, ClinGen allele CA297439606.